The following is an entry in ClinVar:

ClinVar aggregate classification (germline): Uncertain significance (1 of 4 stars; one submission).

Conditions:
Familial hypocalciuric hypercalcemia (FHH). Also called: Familial benign hypercalcemia. Identifiers: Orphanet 405, MedGen C1809471, MONDO:0018458.
Autosomal dominant hypocalcemia 1 (HYPOC1). Also called: HYPOCALCEMIA, FAMILIAL. Identifiers: MedGen C3715128, MONDO:0011013, OMIM 601198.

Allele frequency attached by ClinVar (database versions not stated): TOPMed below 0.00001.

Submission:

Labcorp Genetics (formerly Invitae), Labcorp
Classification: Uncertain significance for Familial hypocalciuric hypercalcemia; Autosomal dominant hypocalcemia 1. Last evaluated: 2024-09-19. Review status: criteria provided, single submitter. Criteria: Invitae Variant Classification Sherloc (09022015). Collection method: clinical testing. Allele origin: germline.
Comment: This sequence change replaces proline, which is neutral and non-polar, with alanine, which is neutral and non-polar, at codon 1042 of the CASR protein (p.Pro1042Ala). This variant is not present in population databases (gnomAD no frequency). This variant has not been reported in the literature in individuals affected with CASR-related conditions. ClinVar contains an entry for this variant (Variation ID: 1043033). An algorithm developed to predict the effect of missense changes on protein structure and function (PolyPhen-2) suggests that this variant is likely to be tolerated. In summary, the available evidence is currently insufficient to determine the role of this variant in disease. Therefore, it has been classified as a Variant of Uncertain Significance.

NM_000388.4(CASR):c.3124C>G (p.Pro1042Ala)

Gene: CASR (calcium sensing receptor; plus strand). Cytogenetic location: 3q21.1.
Variant type: single nucleotide variant.
Coding change: c.3124C>G on transcript NM_000388.4 (MANE Select); coding-DNA position 3124, C replaced by G.
Protein change: p.Pro1042Ala; replaces proline 1042 with alanine.
Molecular consequence: missense variant.
Genome position (GRCh38, 1-based): chr3:122,285,078, C>G. VCF-style: chr3-122285078-C-G. GRCh37 (hg19) VCF-style: chr3-122003925-C-G.
Other names: c.3154C>G, p.Pro1052Ala (NM_001178065.2); short protein forms P1042A, P1052A.
Identifiers: ClinVar variation 1043033 (VCV001043033.9), dbSNP rs2074953862, ClinGen allele CA354161490.
Genomic context (GRCh38, chr3:122,285,078, plus strand): 5'-GACTTAGATCTGACCGTCCAGGAAACAGGTCTGCAAGGACCTGTGGGTGGAGACCAGCGG[C>G]CAGAGGTGGAGGACCCTGAAGAGTTGTCCCCAGCACTTGTAGTGTCCAGTTCACAGAGCT-3'
Protein context (NP_000379.3, residues 1032-1052): LQGPVGGDQR[Pro1042Ala]EVEDPEELSP